The following is an entry in ClinVar:

NM_004446.3(EPRS1):c.2135C>T (p.Thr712Ile)

Gene: EPRS1 (glutamyl-prolyl-tRNA synthetase 1; minus strand). Cytogenetic location: 1q41.
Variant type: single nucleotide variant.
Coding change: c.2135C>T on transcript NM_004446.3 (MANE Select); coding-DNA position 2135, C replaced by T.
Protein change: p.Thr712Ile; replaces threonine 712 with isoleucine.
Molecular consequence: missense variant.
Genome position (GRCh38, 1-based): chr1:220,001,184, G>A on the plus strand (C>T on the coding strand, the complement: EPRS1 is on the minus strand). VCF-style: chr1-220001184-G-A. GRCh37 (hg19) VCF-style: chr1-220174526-G-A.
Other names: c.2135C>T (NM_004446.2); short protein forms T712I.
Identifiers: ClinVar variation 1680971 (VCV001680971.11), dbSNP rs749301108, ClinGen allele CA1400064.

ClinVar aggregate classification (germline): Uncertain significance. Review status: criteria provided, multiple submitters, no conflicts (2 of 4 stars). 4 submissions from 4 submitters: Uncertain significance (4). Last evaluated 2026-06-01.

Conditions:
Inborn genetic diseases. Identifiers: MedGen C0950123, MeSH D030342.

Allele frequency attached by ClinVar (database versions not stated): ExAC 0.00001; gnomAD 0.00001; gnomAD exomes 0.00002.
gnomAD v4.1: 15 of 1,613,722 alleles (0.00093%); highest among the groups gnomAD compares: Non-Finnish European, 0.0013%; no homozygotes.

Submissions (4):

CeGaT Center for Human Genetics Tuebingen
Classification: Uncertain significance. Last evaluated: 2026-06-01. Review status: criteria provided, single submitter. Criteria: CeGaT Center For Human Genetics Tuebingen Variant Classification Criteria Version 2. Collection method: clinical testing. Allele origin: germline. Affected: yes. Observed: 1 variant allele.
Comment: EPRS1: PM2

Ambry Genetics
Classification: Uncertain significance for Inborn genetic diseases. Last evaluated: 2025-01-30. Review status: criteria provided, single submitter. Criteria: Ambry Variant Classification Scheme 2023. Collection method: clinical testing. Allele origin: germline.

Labcorp Genetics (formerly Invitae), Labcorp
Classification: Uncertain significance. Last evaluated: 2022-08-10. Review status: criteria provided, single submitter. Criteria: Invitae Variant Classification Sherloc (09022015). Collection method: clinical testing. Allele origin: germline.
Comment: ClinVar contains an entry for this variant (Variation ID: 1680971). This variant has not been reported in the literature in individuals affected with EPRS-related conditions. This variant is present in population databases (rs749301108, gnomAD 0.004%). This sequence change replaces threonine, which is neutral and polar, with isoleucine, which is neutral and non-polar, at codon 712 of the EPRS protein (p.Thr712Ile). In summary, the available evidence is currently insufficient to determine the role of this variant in disease. Therefore, it has been classified as a Variant of Uncertain Significance. Algorithms developed to predict the effect of missense changes on protein structure and function are either unavailable or do not agree on the potential impact of this missense change (SIFT: "Deleterious"; PolyPhen-2: "Benign"; Align-GVGD: "Class C0").

Blueprint Genetics
Classification: Uncertain significance. Last evaluated: 2020-11-17. Review status: criteria provided, single submitter. Criteria: ACMG Guidelines, 2015. Collection method: clinical testing. Allele origin: germline.